The following is an entry in ClinVar:

ClinVar aggregate classification (germline): Uncertain significance (1 of 4 stars; one submission).

Allele frequency attached by ClinVar (database versions not stated): TOPMed below 0.00001; ExAC 0.00001; gnomAD 0.00001; gnomAD exomes 0.00001.
gnomAD v4.1: 16 of 1,614,088 alleles (0.00099%); highest among the groups gnomAD compares: East Asian, 0.0045%; no homozygotes.

Submission:

Labcorp Genetics (formerly Invitae), Labcorp
Classification: Uncertain significance. Last evaluated: 2022-05-04. Review status: criteria provided, single submitter. Criteria: Invitae Variant Classification Sherloc (09022015). Collection method: clinical testing. Allele origin: germline.
Comment: This sequence change replaces methionine, which is neutral and non-polar, with valine, which is neutral and non-polar, at codon 2124 of the CPLANE1 protein (p.Met2124Val). This variant is present in population databases (rs770682379, gnomAD 0.003%). This variant has not been reported in the literature in individuals affected with CPLANE1-related conditions. Advanced modeling of protein sequence and biophysical properties (such as structural, functional, and spatial information, amino acid conservation, physicochemical variation, residue mobility, and thermodynamic stability) performed at Invitae indicates that this missense variant is not expected to disrupt CPLANE1 protein function. In summary, the available evidence is currently insufficient to determine the role of this variant in disease. Therefore, it has been classified as a Variant of Uncertain Significance.

NM_001384732.1(CPLANE1):c.6370A>G (p.Met2124Val)

Gene: CPLANE1 (ciliogenesis and planar polarity effector complex subunit 1; minus strand). Cytogenetic location: 5p13.2.
Variant type: single nucleotide variant.
Coding change: c.6370A>G on transcript NM_001384732.1 (MANE Select); coding-DNA position 6370, A replaced by G.
Protein change: p.Met2124Val; replaces methionine 2124 with valine.
Molecular consequence: missense variant.
Genome position (GRCh38, 1-based): chr5:37,170,133, T>C on the plus strand (A>G on the coding strand, the complement: CPLANE1 is on the minus strand). VCF-style: chr5-37170133-T-C. GRCh37 (hg19) VCF-style: chr5-37170235-T-C.
Other names: c.6370A>G, p.Met2124Val (NM_023073.4); short protein forms M2124V.
Identifiers: ClinVar variation 1926527 (VCV001926527.2), dbSNP rs770682379, ClinGen allele CA3238274.